The following is an entry in ClinVar:

NM_000238.4(KCNH2):c.2962T>G (p.Ser988Ala)

Gene: KCNH2 (potassium voltage-gated channel subfamily H member 2; minus strand). Cytogenetic location: 7q36.1.
Variant type: single nucleotide variant.
Coding change: c.2962T>G on transcript NM_000238.4 (MANE Select); coding-DNA position 2962, T replaced by G.
Protein change: p.Ser988Ala; replaces serine 988 with alanine.
Molecular consequence: missense variant.
Genome position (GRCh38, 1-based): chr7:150,947,609, A>C on the plus strand (T>G on the coding strand, the complement: KCNH2 is on the minus strand). VCF-style: chr7-150947609-A-C. GRCh37 (hg19) VCF-style: chr7-150644697-A-C.
Other names: c.1942T>G, p.Ser648Ala (NM_172057.3); short protein forms S988A, S648A.
Identifiers: ClinVar variation 859417 (VCV000859417.12), dbSNP rs747237810, ClinGen allele CA035667.
Genomic context (GRCh38, chr7:150,947,609, plus strand): 5'-AGACGCACCACCGCTGCCACGCCCGGTCCTCCCTCGCCCGCCCGTCGCCCGGGATACCTG[A>C]CAGGGGGTTGCAAGTGTCGCTGCTCTTCTCGCAGTCCTCCATCAGGGGCTCCCCACCCGG-3'
Protein context (NP_000229.1, residues 978-998): EKSSDTCNPL[Ser988Ala]GAFSGVSNIF

ClinVar aggregate classification (germline): Uncertain significance. Review status: criteria provided, multiple submitters, no conflicts (2 of 4 stars). 4 submissions from 4 submitters: Uncertain significance (4). Last evaluated 2024-09-06.

Conditions:
Cardiovascular phenotype. Identifiers: MedGen CN230736.
Long QT syndrome (LQTS). Identifiers: MedGen C0023976, MeSH D008133, MONDO:0002442. Disease mechanism: loss of function. Inheritance: Various modes of inheritance.

Allele frequency attached by ClinVar (database versions not stated): ExAC 0.00001.
gnomAD v4.1: 5 of 1,612,644 alleles (0.00031%); highest among the groups gnomAD compares: Admixed American, 0.0033%; no homozygotes.

Submissions (4):

Blueprint Genetics
Classification: Uncertain significance. Last evaluated: 2024-09-06. Review status: criteria provided, single submitter. Criteria: ACMG Guidelines, 2015. Collection method: clinical testing. Allele origin: germline.

Labcorp Genetics (formerly Invitae), Labcorp
Classification: Uncertain significance for Long QT syndrome. Last evaluated: 2024-05-29. Review status: criteria provided, single submitter. Criteria: Invitae Variant Classification Sherloc (09022015). Collection method: clinical testing. Allele origin: germline.
Comment: This sequence change replaces serine, which is neutral and polar, with alanine, which is neutral and non-polar, at codon 988 of the KCNH2 protein (p.Ser988Ala). This variant is present in population databases (rs747237810, gnomAD 0.006%). This variant has not been reported in the literature in individuals affected with KCNH2-related conditions. ClinVar contains an entry for this variant (Variation ID: 859417). An algorithm developed to predict the effect of missense changes on protein structure and function (PolyPhen-2) suggests that this variant is likely to be disruptive. In summary, the available evidence is currently insufficient to determine the role of this variant in disease. Therefore, it has been classified as a Variant of Uncertain Significance.

All of Us Research Program, National Institutes of Health
Classification: Uncertain significance for Long QT syndrome. Last evaluated: 2023-08-15. Review status: criteria provided, single submitter. Criteria: ACMG Guidelines, 2015. Collection method: clinical testing. Allele origin: germline. Inheritance: Autosomal dominant inheritance. Observed: 2 variant alleles, 2 heterozygotes.
Comment: This missense variant replaces serine with alanine at codon 988 of the KCNH2 protein. Computational prediction is inconclusive regarding the impact of this variant on protein structure and function (internally defined REVEL score threshold 0.5 < inconclusive < 0.7, PMID: 27666373). To our knowledge, functional studies have not been reported for this variant. This variant has not been reported in individuals affected with KCNH2-related disorders in the literature. This variant has been identified in 2/277164 chromosomes in the general population by the Genome Aggregation Database (gnomAD). The available evidence is insufficient to determine the role of this variant in disease conclusively. Therefore, this variant is classified as a Variant of Uncertain Significance.

This study involves interpretation of variants in research participants for the purpose of population health screening. Participant phenotype was not available at the time of variant classification. Additional details can be found in publication PMID: 35346344, PMCID: PMC8962531

Ambry Genetics
Classification: Uncertain significance for Cardiovascular phenotype. Last evaluated: 2023-07-21. Review status: criteria provided, single submitter. Criteria: Ambry Variant Classification Scheme 2023. Collection method: clinical testing. Allele origin: germline.
Comment: The p.S988A variant (also known as c.2962T>G), located in coding exon 12 of the KCNH2 gene, results from a T to G substitution at nucleotide position 2962. The serine at codon 988 is replaced by alanine, an amino acid with similar properties. This amino acid position is well conserved in available vertebrate species. In addition, the in silico prediction for this alteration is inconclusive. Since supporting evidence is limited at this time, the clinical significance of this alteration remains unclear.